The following is an entry in ClinVar:

NM_003334.4(UBA1):c.3091G>T (p.Val1031Leu)

Gene: UBA1 (ubiquitin like modifier activating enzyme 1; plus strand). Cytogenetic location: Xp11.3.
Variant type: single nucleotide variant.
Coding change: c.3091G>T on transcript NM_003334.4 (MANE Select); coding-DNA position 3091, G replaced by T.
Protein change: p.Val1031Leu; replaces valine 1031 with leucine.
Molecular consequence: missense variant.
Genome position (GRCh38, 1-based): chrX:47,214,843, G>T. VCF-style: chrX-47214843-G-T. GRCh37 (hg19) VCF-style: chrX-47074242-G-T.
Other names: c.3091G>T, p.Val1031Leu (NM_153280.3); short protein forms V1031L.
Identifiers: ClinVar variation 2852368 (VCV002852368.3), dbSNP rs898122193, ClinGen allele CA329041243.

ClinVar aggregate classification (germline): Uncertain significance (1 of 4 stars; one submission).

Conditions:
Infantile-onset X-linked spinal muscular atrophy. Also called: SPINAL MUSCULAR ATROPHY, X-LINKED LETHAL INFANTILE; Spinal Muscular Atrophy, X-Linked Infantile; AMC, DISTAL, X-LINKED; ARTHROGRYPOSIS, X-LINKED, TYPE I; Spinal muscular atrophy, X-linked 2. Identifiers: Orphanet 1145, MedGen C1844934, MONDO:0010532, OMIM 301830.

gnomAD v4.1: 6 of 1,211,904 alleles (0.0005%); highest among the groups gnomAD compares: Non-Finnish European, 0.00067%; no homozygotes.

Submission:

Labcorp Genetics (formerly Invitae), Labcorp
Classification: Uncertain significance for Infantile-onset X-linked spinal muscular atrophy. Last evaluated: 2024-05-22. Review status: criteria provided, single submitter. Criteria: Invitae Variant Classification Sherloc (09022015). Collection method: clinical testing. Allele origin: germline.
Comment: This sequence change replaces valine, which is neutral and non-polar, with leucine, which is neutral and non-polar, at codon 1031 of the UBA1 protein (p.Val1031Leu). This variant is present in population databases (no rsID available, gnomAD 0.003%), including at least one homozygous and/or hemizygous individual. This variant has not been reported in the literature in individuals affected with UBA1-related conditions. An algorithm developed to predict the effect of missense changes on protein structure and function (PolyPhen-2) suggests that this variant is likely to be disruptive. In summary, the available evidence is currently insufficient to determine the role of this variant in disease. Therefore, it has been classified as a Variant of Uncertain Significance.